The following is an entry in ClinVar:

ClinVar aggregate classification (germline): Benign (1 of 4 stars; one submission).

Conditions:
Leigh syndrome (NULS). Also called: Leigh's necrotizing encephalopathy; Leigh's disease; Leigh's syndrome; LEIGH SYNDROME, NUCLEAR; Leigh Syndrome (mtDNA deletion); Leigh Disease. Identifiers: Orphanet 506, MedGen C2931891, MONDO:0009723, OMIM 256000.

Submission:

Wong Mito Lab, Molecular and Human Genetics, Baylor College of Medicine
Classification: Benign for Leigh syndrome. Last evaluated: 2019-10-17. Review status: criteria provided, single submitter. Criteria: Modified ACMG Guidelines (Unpublished). Collection method: clinical testing. Allele origin: germline.
Comment: The NC_012920.1:m.14207G>A (YP_003024037.1:p.Thr156Ile) variant in MTND6 gene is interpretated to be a Benign variant based on the modified ACMG guidelines (unpublished). This variant meets the following evidence codes: BS1, BS2, BP4

NC_012920.1(MT-ND6):m.14207G>A

Gene: MT-ND6 (mitochondrially encoded NADH dehydrogenase 6; minus strand).
Variant type: single nucleotide variant.
Genome position: chrM-14207-G-A.
Identifiers: ClinVar variation 693690 (VCV000693690.1), dbSNP rs879217937, ClinGen allele CA337099953.